The following is an entry in ClinVar:

NM_001852.4(COL9A2):c.98_99insGC (p.Gly36fs)

Genes: COL9A2 (collagen type IX alpha 2 chain; minus strand), LOC129930261 (ATAC-STARR-seq lymphoblastoid silent region 724; plus strand). Cytogenetic location: 1p34.2.
Variant type: Insertion.
Coding change: c.98_99insGC on transcript NM_001852.4 (MANE Select); coding-DNA positions 98 to 99, GC inserted.
Protein change: p.Gly36fs; shifts the reading frame from glycine 36.
Molecular consequence: frameshift variant.
Genome position: GRCh38 VCF-style: chr1-40315641-G-GGC. GRCh37 (hg19) VCF-style: chr1-40781313-G-GGC.
Other names: short protein forms G36fs.
Identifiers: ClinVar variation 4532281 (VCV004532281.1).
Genomic context (GRCh38, chr1:40,315,641, plus strand): 5'-GAGACTTACGTCGATGCCGTCGGATCCAGGCACTCCCGGCGGTCCCGGGGGACCCGGGGG[G>GGC]CCCCGCTCTCCCGGTGGACCTCTCTGAAAAACACACACGGGGTGGGGCAGTCCTCAGACA-3'

ClinVar aggregate classification (germline): Pathogenic (1 of 4 stars; one submission).

Conditions:
Monogenic hearing loss.

Submission:

Genetics Laboratory, Great Ormond Street Hospital NHS Foundation Trust, North Thames Genomic Laboratory Hub
Classification: Pathogenic for Monogenic hearing loss. Last evaluated: 2025-10-03. Review status: criteria provided, single submitter. Criteria: ACGS Best Practice Guidelines for Variant Classification in Rare Disease 2024 v1.2. Collection method: clinical testing. Allele origin: germline. Affected: yes.
Comment: PM2_moderate, PVS1_very-strong